The following is an entry in ClinVar:

NM_000174.5(GP9):c.124G>A (p.Gly42Arg)

Gene: GP9 (glycoprotein IX platelet; plus strand). Cytogenetic location: 3q21.3.
Variant type: single nucleotide variant.
Coding change: c.124G>A on transcript NM_000174.5 (MANE Select); coding-DNA position 124, G replaced by A.
Protein change: p.Gly42Arg; replaces glycine 42 with arginine.
Molecular consequence: missense variant.
Genome position (GRCh38, 1-based): chr3:129,061,863, G>A. VCF-style: chr3-129061863-G-A. GRCh37 (hg19) VCF-style: chr3-128780706-G-A.
Other names: short protein forms G42R.
Identifiers: ClinVar variation 2462923 (VCV002462923.6), dbSNP rs767444247, ClinGen allele CA2602637.

ClinVar aggregate classification (germline): Uncertain significance. Review status: criteria provided, multiple submitters, no conflicts (2 of 4 stars). 4 submissions from 4 submitters: Uncertain significance (4). Last evaluated 2025-11-07.

Conditions:
GP9-related disorder. Also called: GP9-related condition.
Inborn genetic diseases. Identifiers: MedGen C0950123, MeSH D030342.

Allele frequency attached by ClinVar (database versions not stated): gnomAD exomes 0.00002; gnomAD 0.00003; TOPMed 0.00003; ExAC 0.00006.
gnomAD v4.1: 33 of 1,612,470 alleles (0.002%); highest among the groups gnomAD compares: Admixed American, 0.03%; no homozygotes.

Submissions (4):

Ambry Genetics
Classification: Uncertain significance for Inborn genetic diseases. Last evaluated: 2025-11-07. Review status: criteria provided, single submitter. Criteria: Ambry Variant Classification Scheme 2023. Collection method: clinical testing. Allele origin: germline.

PreventionGenetics, part of Exact Sciences
Classification: Uncertain significance for GP9-related condition. Last evaluated: 2025-04-16. Review status: criteria provided, single submitter. Criteria: ACMG Guidelines, 2015. Collection method: clinical testing. Allele origin: germline.
Comment: The GP9 c.124G>A variant is predicted to result in the amino acid substitution p.Gly42Arg. To our knowledge, this variant has not been reported in the literature. This variant is reported in 0.035% of alleles in individuals of Latino descent in gnomAD. At this time, the clinical significance of this variant is uncertain due to the absence of conclusive functional and genetic evidence.

Women's Health and Genetics/Laboratory Corporation of America, LabCorp
Classification: Uncertain significance. Last evaluated: 2023-11-14. Review status: criteria provided, single submitter. Criteria: LabCorp Variant Classification Summary - May 2015. Collection method: clinical testing. Allele origin: germline.
Comment: Variant summary: GP9 c.124G>A (p.Gly42Arg) results in a non-conservative amino acid change in the encoded protein sequence. Four of five in-silico tools predict a damaging effect of the variant on protein function. The variant allele was found at a frequency of 6.2e-05 in 243204 control chromosomes. This frequency is not significantly higher than estimated for a pathogenic variant in GP9 causing Bernard Soulier Syndrome (6.2e-05 vs 0.00074), allowing no conclusion about variant significance. To our knowledge, no occurrence of c.124G>A in individuals affected with Bernard Soulier Syndrome and no experimental evidence demonstrating its impact on protein function have been reported. One submitter has cited clinical-significance assessments for this variant to ClinVar after 2014 and has classified the variant as uncertain significance. Based on the evidence outlined above, the variant was classified as uncertain significance.

Blueprint Genetics
Classification: Uncertain significance. Last evaluated: 2022-02-16. Review status: criteria provided, single submitter. Criteria: ACMG Guidelines, 2015. Collection method: clinical testing. Allele origin: germline.